The following is an entry in ClinVar:

ClinVar aggregate classification (germline): Likely benign (1 of 4 stars; one submission).

Conditions:
CREBBP-related disorder. Also called: CREBBP-related disorders; CREBBP-related condition.

gnomAD v4.1: 1 of 1,614,186 alleles (0.000062%); no homozygotes.

Submission:

PreventionGenetics, part of Exact Sciences
Classification: Likely benign for CREBBP-related condition. Last evaluated: 2026-04-30. Review status: criteria provided, single submitter. Criteria: ACMG Guidelines, 2015. Collection method: clinical testing. Allele origin: germline.
Comment: This variant is classified as likely benign based on ACMG/AMP sequence variant interpretation guidelines (Richards et al. 2015 PMID: 25741868, with internal and published modifications).

NM_004380.3(CREBBP):c.5472C>T (p.Ala1824=)

Gene: CREBBP (CREB binding lysine acetyltransferase; minus strand). Cytogenetic location: 16p13.3.
Variant type: single nucleotide variant.
Coding change: c.5472C>T on transcript NM_004380.3 (MANE Select); coding-DNA position 5472, C replaced by T.
Protein change: p.Ala1824=; no amino-acid change (alanine 1824 retained).
Molecular consequence: synonymous variant.
Genome position (GRCh38, 1-based): chr16:3,729,575, G>A on the plus strand (C>T on the coding strand, the complement: CREBBP is on the minus strand). VCF-style: chr16-3729575-G-A. GRCh37 (hg19) VCF-style: chr16-3779576-G-A.
Other names: c.5358C>T, p.Ala1786= (NM_001079846.1).
Identifiers: ClinVar variation 4978494 (VCV004978494.1).
Genomic context (GRCh38, chr16:3,729,575, plus strand): 5'-GAGGCAGAAGGGCACGGGGCATTTGTTTTCTTGGCAGTGCTTGGCGTGGTAGCAGCAGAG[G>A]GCGATGAGCTGCTTGCACACCGGGCAGCCCCCGTTGGTCTTGCGTTTGCAGCCCTTGGTG-3'
Protein context (NP_004371.2, residues 1814-1834): GGCPVCKQLI[Ala1824=]LCCYHAKHCQ